The following is an entry in ClinVar:

NM_006576.4(AVIL):c.749T>C (p.Ile250Thr)

Gene: AVIL (advillin; minus strand). Cytogenetic location: 12q14.1.
Variant type: single nucleotide variant.
Coding change: c.749T>C on transcript NM_006576.4 (MANE Select); coding-DNA position 749, T replaced by C.
Protein change: p.Ile250Thr; replaces isoleucine 250 with threonine.
Molecular consequence: missense variant.
Genome position (GRCh38, 1-based): chr12:57,810,361, A>G on the plus strand (T>C on the coding strand, the complement: AVIL is on the minus strand). VCF-style: chr12-57810361-A-G. GRCh37 (hg19) VCF-style: chr12-58204144-A-G.
Other names: short protein forms I250T.
Identifiers: ClinVar variation 2515403 (VCV002515403.4), dbSNP rs759111866, ClinGen allele CA6660081.

ClinVar aggregate classification (germline): Uncertain significance. Review status: criteria provided, multiple submitters, no conflicts (2 of 4 stars). 2 submissions from 2 submitters: Uncertain significance (2). Last evaluated 2025-08-05.

Conditions:
Nephrotic syndrome, type 21. Identifiers: MedGen C5231498, MONDO:0032826, OMIM 618594.

Allele frequency attached by ClinVar (database versions not stated): ExAC 0.00002.
gnomAD v4.1: 16 of 1,614,182 alleles (0.00099%); highest among the groups gnomAD compares: East Asian, 0.0067%; no homozygotes.

Submissions (2):

Ambry Genetics
Classification: Uncertain significance. Last evaluated: 2025-08-05. Review status: criteria provided, single submitter. Criteria: Ambry Variant Classification Scheme 2023. Collection method: clinical testing. Allele origin: germline.

3billion
Classification: Uncertain significance for Nephrotic syndrome, type 21. Last evaluated: 2024-06-22. Review status: criteria provided, single submitter. Criteria: ACMG Guidelines, 2015. Collection method: clinical testing. Allele origin: germline. Affected: yes.
Comment: The variant is observed at an extremely low frequency in the gnomAD v4.0.0 dataset (total allele frequency: 0.001%). Predicted Consequence/Location: Missense changes are a common disease-causing mechanism. In silico tool predictions suggest no damaging effect of the variant on gene or gene product [REVEL: 0.15 (<0.4); 3Cnet: 0.05 (<0.15, specificity 0.78 and negative predictive value 0.92)]. Therefore, this variant is classified as VUS according to the recommendation of ACMG/AMP guideline.